The following is an entry in ClinVar:

ClinVar aggregate classification (germline): Uncertain significance (1 of 4 stars; one submission).

gnomAD v4.1: 1 of 1,613,216 alleles (0.000062%); no homozygotes.

Submission:

Labcorp Genetics (formerly Invitae), Labcorp
Classification: Uncertain significance. Last evaluated: 2022-04-01. Review status: criteria provided, single submitter. Criteria: Invitae Variant Classification Sherloc (09022015). Collection method: clinical testing. Allele origin: germline.
Comment: In summary, the available evidence is currently insufficient to determine the role of this variant in disease. Therefore, it has been classified as a Variant of Uncertain Significance. Algorithms developed to predict the effect of missense changes on protein structure and function (SIFT, PolyPhen-2, Align-GVGD) all suggest that this variant is likely to be tolerated. This variant has not been reported in the literature in individuals affected with SULF1-related conditions. This variant is not present in population databases (gnomAD no frequency). This sequence change replaces asparagine, which is neutral and polar, with aspartic acid, which is acidic and polar, at codon 684 of the SULF1 protein (p.Asn684Asp).

NM_001128205.2(SULF1):c.2050A>G (p.Asn684Asp)

Gene: SULF1 (sulfatase 1; plus strand). Cytogenetic location: 8q13.3.
Variant type: single nucleotide variant.
Coding change: c.2050A>G on transcript NM_001128205.2 (MANE Select); coding-DNA position 2050, A replaced by G.
Protein change: p.Asn684Asp; replaces asparagine 684 with aspartic acid.
Molecular consequence: missense variant. On other transcripts: non-coding transcript variant (3).
Genome position (GRCh38, 1-based): chr8:69,628,178, A>G. VCF-style: chr8-69628178-A-G. GRCh37 (hg19) VCF-style: chr8-70540413-A-G.
Other names: c.2050A>G, p.Asn684Asp (NM_001128204.2, NM_001128206.2, NM_001412843.1 and 10 more transcripts); c.1993A>G, p.Asn665Asp (NM_001412837.1, NM_001412836.1); c.1921A>G, p.Asn641Asp (NM_001412838.1, NM_001412839.1, NM_001412840.1 and 1 more transcripts); c.1864A>G, p.Asn622Asp (NM_001412841.1, NM_001412842.1); c.1450A>G, p.Asn484Asp (NM_001412844.1, NM_001412845.1); c.259A>G, p.Asn87Asp (NM_001412846.1); short protein forms N665D, N684D, N484D, N87D, N622D, N641D.
Identifiers: ClinVar variation 2105180 (VCV002105180.4), dbSNP rs2537376625, ClinGen allele CA371230541.